The following is an entry in ClinVar:

ClinVar aggregate classification (germline): Uncertain significance (1 of 4 stars; one submission).

Submission:

Labcorp Genetics (formerly Invitae), Labcorp
Classification: Uncertain significance. Last evaluated: 2023-06-26. Review status: criteria provided, single submitter. Criteria: Invitae Variant Classification Sherloc (09022015). Collection method: clinical testing. Allele origin: germline.
Comment: In summary, the available evidence is currently insufficient to determine the role of this variant in disease. Therefore, it has been classified as a Variant of Uncertain Significance. Algorithms developed to predict the effect of missense changes on protein structure and function output the following: SIFT: "Not Available"; PolyPhen-2: "Benign"; Align-GVGD: "Not Available". The asparagine amino acid residue is found in multiple mammalian species, which suggests that this missense change does not adversely affect protein function. ClinVar contains an entry for this variant (Variation ID: 1391022). This variant has not been reported in the literature in individuals affected with PLK4-related conditions. This variant is not present in population databases (gnomAD no frequency). This sequence change replaces aspartic acid, which is acidic and polar, with asparagine, which is neutral and polar, at codon 661 of the PLK4 protein (p.Asp661Asn).

NM_014264.5(PLK4):c.1981G>A (p.Asp661Asn)

Gene: PLK4 (polo like kinase 4; plus strand). Cytogenetic location: 4q28.1.
Variant type: single nucleotide variant.
Coding change: c.1981G>A on transcript NM_014264.5 (MANE Select); coding-DNA position 1981, G replaced by A.
Protein change: p.Asp661Asn; replaces aspartic acid 661 with asparagine.
Molecular consequence: missense variant.
Genome position (GRCh38, 1-based): chr4:127,891,624, G>A. VCF-style: chr4-127891624-G-A. GRCh37 (hg19) VCF-style: chr4-128812779-G-A.
Other names: c.1885G>A, p.Asp629Asn (NM_001190799.2); c.1858G>A, p.Asp620Asn (NM_001190801.2); short protein forms D629N, D620N, D661N.
Identifiers: ClinVar variation 1391022 (VCV001391022.6), dbSNP rs2148821875, ClinGen allele CA358158507.